The following is an entry in ClinVar:

ClinVar aggregate classification (germline): Uncertain significance (1 of 4 stars; one submission).

Conditions:
Hereditary spastic paraplegia 73. Also called: Spastic paraplegia 73, autosomal dominant. Identifiers: Orphanet 444099, MedGen C5568981, MONDO:0014568, OMIM 616282.

gnomAD v4.1: 52 of 1,612,952 alleles (0.0032%); highest among the groups gnomAD compares: Non-Finnish European, 0.0034%; no homozygotes.

Submission:

Labcorp Genetics (formerly Invitae), Labcorp
Classification: Uncertain significance for Hereditary spastic paraplegia 73. Last evaluated: 2024-12-16. Review status: criteria provided, single submitter. Criteria: Invitae Variant Classification Sherloc (09022015). Collection method: clinical testing. Allele origin: germline.
Comment: This sequence change replaces glycine, which is neutral and non-polar, with arginine, which is basic and polar, at codon 141 of the CPT1C protein (p.Gly141Arg). This variant is present in population databases (rs771217192, gnomAD 0.01%). This variant has not been reported in the literature in individuals affected with CPT1C-related conditions. An algorithm developed to predict the effect of missense changes on protein structure and function (PolyPhen-2) suggests that this variant is likely to be disruptive. In summary, the available evidence is currently insufficient to determine the role of this variant in disease. Therefore, it has been classified as a Variant of Uncertain Significance.

NM_001199753.2(CPT1C):c.421G>A (p.Gly141Arg)

Gene: CPT1C (carnitine palmitoyltransferase 1C; plus strand). Cytogenetic location: 19q13.33.
Variant type: single nucleotide variant.
Coding change: c.421G>A on transcript NM_001199753.2 (MANE Select); coding-DNA position 421, G replaced by A.
Protein change: p.Gly141Arg; replaces glycine 141 with arginine.
Molecular consequence: missense variant. On other transcripts: non-coding transcript variant (1).
Genome position (GRCh38, 1-based): chr19:49,700,823, G>A. VCF-style: chr19-49700823-G-A. GRCh37 (hg19) VCF-style: chr19-50204080-G-A.
Other names: c.421G>A, p.Gly141Arg (NM_001136052.3, NM_001199752.3, NM_001378482.1 and 7 more transcripts); short protein forms G141R.
Identifiers: ClinVar variation 3730373 (VCV003730373.2).